The following is an entry in ClinVar:

ClinVar aggregate classification (germline): Uncertain significance. Review status: criteria provided, multiple submitters, no conflicts (2 of 4 stars). 3 submissions from 3 submitters: Uncertain significance (3). Last evaluated 2024-02-09.

Conditions:
Fraser syndrome 1 (FRASRS1). Also called: CRYPTOPHTHALMOS WITH OTHER MALFORMATIONS. Identifiers: Orphanet 2052, MedGen C4551480, MONDO:0054737, OMIM 219000.
Inborn genetic diseases. Identifiers: MedGen C0950123, MeSH D030342.

Submissions (3):

Fulgent Genetics
Classification: Uncertain significance for Fraser syndrome 1. Last evaluated: 2024-02-09. Review status: criteria provided, single submitter. Criteria: ACMG Guidelines, 2015. Collection method: clinical testing. Allele origin: germline.

GeneDx
Classification: Uncertain significance. Last evaluated: 2023-11-07. Review status: criteria provided, single submitter. Criteria: GeneDx Variant Classification Process June 2021. Collection method: clinical testing. Allele origin: germline. Affected: yes.
Comment: In silico analysis supports that this missense variant has a deleterious effect on protein structure/function; Has not been previously published as pathogenic or benign to our knowledge

Ambry Genetics
Classification: Uncertain significance for Inborn genetic diseases. Last evaluated: 2023-02-15. Review status: criteria provided, single submitter. Criteria: Ambry Variant Classification Scheme 2023. Collection method: clinical testing. Allele origin: germline.

NM_025074.7(FRAS1):c.5865C>A (p.Asn1955Lys)

Gene: FRAS1 (Fraser extracellular matrix complex subunit 1; plus strand). Cytogenetic location: 4q21.21.
Variant type: single nucleotide variant.
Coding change: c.5865C>A on transcript NM_025074.7 (MANE Select); coding-DNA position 5865, C replaced by A.
Protein change: p.Asn1955Lys; replaces asparagine 1955 with lysine.
Molecular consequence: missense variant.
Genome position (GRCh38, 1-based): chr4:78,446,735, C>A. VCF-style: chr4-78446735-C-A. GRCh37 (hg19) VCF-style: chr4-79367889-C-A.
Other names: short protein forms N1955K.
Identifiers: ClinVar variation 1703912 (VCV001703912.5), dbSNP rs201750748, ClinGen allele CA2977650.